The following is an entry in ClinVar:

ClinVar aggregate classification (germline): Uncertain significance. Review status: criteria provided, multiple submitters, no conflicts (2 of 4 stars). 2 submissions from 2 submitters: Uncertain significance (2). Last evaluated 2025-10-02.

Conditions:
Inborn genetic diseases. Identifiers: MedGen C0950123, MeSH D030342.
Spondyloenchondrodysplasia with immune dysregulation (SPENCDI). Also called: ROIFMAN IMMUNOSKELETAL SYNDROME; SPONDYLOENCHONDRODYSPLASIA WITH OR WITHOUT IMMUNE DYSREGULATION; COMBINED IMMUNODEFICIENCY WITH AUTOIMMUNITY AND SPONDYLOMETAPHYSEAL DYSPLASIA. Identifiers: Orphanet 1855, MedGen C1842763, MONDO:0011939, OMIM 607944.

Allele frequency attached by ClinVar (database versions not stated): TOPMed 0.00020; ExAC 0.00001; gnomAD 0.00017.
gnomAD v4.1: 41 of 1,613,588 alleles (0.0025%); highest among the groups gnomAD compares: Admixed American, 0.052%; no homozygotes.

Submissions (2):

Ambry Genetics
Classification: Uncertain significance for Inborn genetic diseases. Last evaluated: 2025-10-02. Review status: criteria provided, single submitter. Criteria: Ambry Variant Classification Scheme 2023. Collection method: clinical testing. Allele origin: germline.

Labcorp Genetics (formerly Invitae), Labcorp
Classification: Uncertain significance for Spondyloenchondrodysplasia with immune dysregulation. Last evaluated: 2024-02-17. Review status: criteria provided, single submitter. Criteria: Invitae Variant Classification Sherloc (09022015). Collection method: clinical testing. Allele origin: germline.
Comment: This sequence change replaces arginine, which is basic and polar, with cysteine, which is neutral and slightly polar, at codon 138 of the ACP5 protein (p.Arg138Cys). This variant is present in population databases (rs774823139, gnomAD 0.02%). This variant has not been reported in the literature in individuals affected with ACP5-related conditions. ClinVar contains an entry for this variant (Variation ID: 2150113). Advanced modeling of protein sequence and biophysical properties (such as structural, functional, and spatial information, amino acid conservation, physicochemical variation, residue mobility, and thermodynamic stability) performed at Invitae indicates that this missense variant is not expected to disrupt ACP5 protein function with a negative predictive value of 80%. In summary, the available evidence is currently insufficient to determine the role of this variant in disease. Therefore, it has been classified as a Variant of Uncertain Significance.

NM_001611.5(ACP5):c.412C>T (p.Arg138Cys)

Gene: ACP5 (acid phosphatase 5, tartrate resistant; minus strand). Cytogenetic location: 19p13.2.
Variant type: single nucleotide variant.
Coding change: c.412C>T on transcript NM_001611.5 (MANE Select); coding-DNA position 412, C replaced by T.
Protein change: p.Arg138Cys; replaces arginine 138 with cysteine.
Molecular consequence: missense variant.
Genome position (GRCh38, 1-based): chr19:11,576,566, G>A on the plus strand (C>T on the coding strand, the complement: ACP5 is on the minus strand). VCF-style: chr19-11576566-G-A. GRCh37 (hg19) VCF-style: chr19-11687381-G-A.
Other names: c.412C>T, p.Arg138Cys (NM_001111034.3, NM_001111035.3, NM_001111036.3 and 1 more transcripts); c.412C>T (NM_001111035.1); short protein forms R138C.
Identifiers: ClinVar variation 2150113 (VCV002150113.4), dbSNP rs774823139, ClinGen allele CA9215413.